The following is an entry in ClinVar:

ClinVar aggregate classification (germline): Uncertain significance (1 of 4 stars; one submission).

Conditions:
Primary ciliary dyskinesia. Also called: Ciliary dyskinesia. Identifiers: Orphanet 244, MedGen C0008780, MONDO:0016575, HP:0012265.

Allele frequency attached by ClinVar (database versions not stated): gnomAD exomes below 0.00001.
gnomAD v4.1: 3 of 1,613,280 alleles (0.00019%); highest among the groups gnomAD compares: Admixed American, 0.005%; no homozygotes.

Submission:

Labcorp Genetics (formerly Invitae), Labcorp
Classification: Uncertain significance for Primary ciliary dyskinesia. Last evaluated: 2021-09-02. Review status: criteria provided, single submitter. Criteria: Invitae Variant Classification Sherloc (09022015). Collection method: clinical testing. Allele origin: germline.
Comment: This sequence change replaces alanine with serine at codon 216 of the RSPH4A protein (p.Ala216Ser). The alanine residue is moderately conserved and there is a moderate physicochemical difference between alanine and serine. This variant is not present in population databases (ExAC no frequency). This variant has not been reported in the literature in individuals affected with RSPH4A-related conditions. Algorithms developed to predict the effect of missense changes on protein structure and function are either unavailable or do not agree on the potential impact of this missense change (SIFT: "Tolerated"; PolyPhen-2: "Possibly Damaging"; Align-GVGD: "Class C0"). In summary, the available evidence is currently insufficient to determine the role of this variant in disease. Therefore, it has been classified as a Variant of Uncertain Significance.

NM_001010892.3(RSPH4A):c.646G>T (p.Ala216Ser)

Gene: RSPH4A (radial spoke head component 4A; plus strand). Cytogenetic location: 6q22.1.
Variant type: single nucleotide variant.
Coding change: c.646G>T on transcript NM_001010892.3 (MANE Select); coding-DNA position 646, G replaced by T.
Protein change: p.Ala216Ser; replaces alanine 216 with serine.
Molecular consequence: missense variant.
Genome position (GRCh38, 1-based): chr6:116,617,269, G>T. VCF-style: chr6-116617269-G-T. GRCh37 (hg19) VCF-style: chr6-116938432-G-T.
Other names: c.646G>T, p.Ala216Ser (NM_001161664.2); short protein forms A216S.
Identifiers: ClinVar variation 1349509 (VCV001349509.5), dbSNP rs1390787423, ClinGen allele CA365395559.